The following is an entry in ClinVar:

NM_012064.4(MIP):c.458G>A (p.Arg153Gln)

Gene: MIP (major intrinsic protein of lens fiber; minus strand). Cytogenetic location: 12q13.3.
Variant type: single nucleotide variant.
Coding change: c.458G>A on transcript NM_012064.4 (MANE Select); coding-DNA position 458, G replaced by A.
Protein change: p.Arg153Gln; replaces arginine 153 with glutamine.
Molecular consequence: missense variant.
Genome position (GRCh38, 1-based): chr12:56,453,658, C>T on the plus strand (G>A on the coding strand, the complement: MIP is on the minus strand). VCF-style: chr12-56453658-C-T. GRCh37 (hg19) VCF-style: chr12-56847442-C-T.
Other names: short protein forms R153Q.
Identifiers: ClinVar variation 2915608 (VCV002915608.3), dbSNP rs779658566, ClinGen allele CA6632570.
Genomic context (GRCh38, chr12:56,453,658, plus strand): 5'-AGGTGCCCCAGGGCAAGGGAGAAGCCAACGGCCAGGGCCACGGAGCCCAGTTGGCCATTC[C>T]GCCTCTCGTCGTATGTGGCAAAGATGCAGAGCACGAACTGGAGCGTCAGGAAGATCTCCA-3'
Protein context (NP_036196.1, residues 143-163): LCIFATYDER[Arg153Gln]NGQLGSVALA

ClinVar aggregate classification (germline): Uncertain significance (1 of 4 stars; one submission).

Conditions:
Cataract 15 multiple types. Also called: CATARACT 15, LAMELLAR WITH SUTURAL OPACITIES. Identifiers: Orphanet 91492, MedGen C3809001, MONDO:0014110, OMIM 615274.

Allele frequency attached by ClinVar (database versions not stated): ExAC 0.00002; TOPMed 0.00003; gnomAD 0.00004.
gnomAD v4.1: 22 of 1,614,098 alleles (0.0014%); highest among the groups gnomAD compares: Non-Finnish European, 0.0016%; no homozygotes.

Submission:

Labcorp Genetics (formerly Invitae), Labcorp
Classification: Uncertain significance for Cataract 15 multiple types. Last evaluated: 2023-08-24. Review status: criteria provided, single submitter. Criteria: Invitae Variant Classification Sherloc (09022015). Collection method: clinical testing. Allele origin: germline.
Comment: Advanced modeling of protein sequence and biophysical properties (such as structural, functional, and spatial information, amino acid conservation, physicochemical variation, residue mobility, and thermodynamic stability) performed at Invitae indicates that this missense variant is not expected to disrupt MIP protein function. This variant has not been reported in the literature in individuals affected with MIP-related conditions. This variant is present in population databases (rs779658566, gnomAD 0.006%). This sequence change replaces arginine, which is basic and polar, with glutamine, which is neutral and polar, at codon 153 of the MIP protein (p.Arg153Gln). In summary, the available evidence is currently insufficient to determine the role of this variant in disease. Therefore, it has been classified as a Variant of Uncertain Significance.